The following is an entry in ClinVar:

NM_000038.6(APC):c.4529G>A (p.Ser1510Asn)

Gene: APC (APC regulator of Wnt signaling pathway; plus strand). Cytogenetic location: 5q22.2.
Variant type: single nucleotide variant.
Coding change: c.4529G>A on transcript NM_000038.6 (MANE Select); coding-DNA position 4529, G replaced by A.
Protein change: p.Ser1510Asn; replaces serine 1510 with asparagine.
Molecular consequence: missense variant.
Genome position (GRCh38, 1-based): chr5:112,840,123, G>A. VCF-style: chr5-112840123-G-A. GRCh37 (hg19) VCF-style: chr5-112175820-G-A.
Other names: c.4529G>A, p.Ser1510Asn (NM_001127510.3, NM_001354895.2); c.4475G>A, p.Ser1492Asn (NM_001127511.3); c.4583G>A, p.Ser1528Asn (NM_001354896.2); c.4559G>A, p.Ser1520Asn (NM_001354897.2); c.4454G>A, p.Ser1485Asn (NM_001354898.2); c.4445G>A, p.Ser1482Asn (NM_001354899.2); c.4406G>A, p.Ser1469Asn (NM_001354900.2); c.4352G>A, p.Ser1451Asn (NM_001354901.2); and 5 more; short protein forms S1409N, S1419N, S1469N, S1482N, S1485N, S1492N, S1451N, S1510N.
Identifiers: ClinVar variation 1490369 (VCV001490369.7), dbSNP rs1765702795, ClinGen allele CA16031239.
Genomic context (GRCh38, chr5:112,840,123, plus strand): 5'-ATTTTGCCACGGAAAGTACTCCAGATGGATTTTCTTGTTCATCCAGCCTGAGTGCTCTGA[G>A]CCTCGATGAGCCATTTATACAGAAAGATGTGGAATTAAGAATAATGCCTCCAGTTCAGGA-3'
Protein context (NP_000029.2, residues 1500-1520): FSCSSSLSAL[Ser1510Asn]LDEPFIQKDV

ClinVar aggregate classification (germline): Uncertain significance. Review status: criteria provided, multiple submitters, no conflicts (2 of 4 stars). 2 submissions from 2 submitters: Uncertain significance (2). Last evaluated 2024-03-08.

Conditions:
Familial adenomatous polyposis 1 (FAP1). Also called: FAMILIAL ADENOMATOUS POLYPOSIS 1, ATTENUATED; POLYPOSIS, ADENOMATOUS INTESTINAL. Identifiers: MedGen C2713442, MONDO:0021056, OMIM 175100. Disease mechanism: loss of function.

Allele frequency attached by ClinVar (database versions not stated): gnomAD 0.00001.
gnomAD v4.1: 1 of 1,613,956 alleles (0.000062%); highest among the groups gnomAD compares: African/African-American, 0.0013%; no homozygotes.

Submissions (2):

Baylor Genetics
Classification: Uncertain significance for Familial adenomatous polyposis 1. Last evaluated: 2024-03-08. Review status: criteria provided, single submitter. Criteria: ACMG Guidelines, 2015. Collection method: clinical testing. Allele origin: unknown.

Labcorp Genetics (formerly Invitae), Labcorp
Classification: Uncertain significance for Familial adenomatous polyposis 1. Last evaluated: 2021-11-22. Review status: criteria provided, single submitter. Criteria: Invitae Variant Classification Sherloc (09022015). Collection method: clinical testing. Allele origin: germline.
Comment: In summary, the available evidence is currently insufficient to determine the role of this variant in disease. Therefore, it has been classified as a Variant of Uncertain Significance. Algorithms developed to predict the effect of missense changes on protein structure and function are either unavailable or do not agree on the potential impact of this missense change (SIFT: "Tolerated"; PolyPhen-2: "Probably Damaging"; Align-GVGD: "Class C0"). This variant has not been reported in the literature in individuals affected with APC-related conditions. This variant is not present in population databases (gnomAD no frequency). This sequence change replaces serine, which is neutral and polar, with asparagine, which is neutral and polar, at codon 1510 of the APC protein (p.Ser1510Asn).